The following is an entry in ClinVar:

ClinVar aggregate classification (germline): Conflicting classifications of pathogenicity. Review status: criteria provided, conflicting classifications (1 of 4 stars). 2 submissions from 2 submitters: Uncertain significance (1); Likely benign (1). Last evaluated 2023-03-23.

Conditions:
Hereditary cancer-predisposing syndrome. Also called: Hereditary Cancer Syndrome; Hereditary neoplastic syndrome; Neoplastic Syndromes, Hereditary; Tumor predisposition. Identifiers: Orphanet 140162, MedGen C0027672, MeSH D009386, MONDO:0015356.

Submissions (2):

University of Washington Department of Laboratory Medicine, University of Washington
Classification: Likely benign for Hereditary cancer-predisposing syndrome. Last evaluated: 2023-03-23. Review status: criteria provided, single submitter. Criteria: Dines et al. (Genet Med. 2020). Collection method: curation. Allele origin: germline.
Comment: Missense variant in a coldspot region where missense variants are very unlikely to be pathogenic (PMID:31911673).

BRCA1 coldspot (exon 11 using historical exon numbering). Reclassification based on statistical prior probability

Ambry Genetics
Classification: Uncertain significance for Hereditary cancer-predisposing syndrome. Last evaluated: 2021-12-02. Review status: criteria provided, single submitter. Criteria: Ambry Variant Classification Scheme 2023. Collection method: clinical testing. Allele origin: germline.
Comment: The p.A485G variant (also known as c.1454C>G), located in coding exon 9 of the BRCA1 gene, results from a C to G substitution at nucleotide position 1454. The alanine at codon 485 is replaced by glycine, an amino acid with similar properties. This amino acid position is not well conserved in available vertebrate species. In addition, the in silico prediction for this alteration is inconclusive. Since supporting evidence is limited at this time, the clinical significance of this alteration remains unclear.

NM_007294.4(BRCA1):c.1454C>G (p.Ala485Gly)

Gene: BRCA1 (BRCA1 DNA repair associated; minus strand). Cytogenetic location: 17q21.31.
Variant type: single nucleotide variant.
Coding change: c.1454C>G on transcript NM_007294.4 (MANE Select); coding-DNA position 1454, C replaced by G.
Protein change: p.Ala485Gly; replaces alanine 485 with glycine.
Molecular consequence: missense variant. On other transcripts: intron variant (137).
Genome position (GRCh38, 1-based): chr17:43,094,077, G>C on the plus strand (C>G on the coding strand, the complement: BRCA1 is on the minus strand). VCF-style: chr17-43094077-G-C. GRCh37 (hg19) VCF-style: chr17-41246094-G-C.
Other names: c.1241C>G, p.Ala414Gly (NM_001407571.1, NM_001407853.1, NM_001407894.1 and 9 more transcripts); c.1454C>G, p.Ala485Gly (NM_001407581.1, NM_001407582.1, NM_001407583.1 and 30 more transcripts); c.1451C>G, p.Ala484Gly (NM_001407587.1, NM_001407590.1, NM_001407591.1 and 22 more transcripts); c.1310C>G, p.Ala437Gly (NM_001407842.1, NM_001407843.1, NM_001407844.1 and 20 more transcripts); c.1313C>G, p.Ala438Gly (NM_001407850.1, NM_001407851.1, NM_001407852.1 and 29 more transcripts); c.1253C>G, p.Ala418Gly (NM_001407862.1); c.1331C>G, p.Ala444Gly (NM_001407863.1, NM_001407648.1, NM_001407664.1 and 19 more transcripts); c.1250C>G, p.Ala417Gly (NM_001407874.1, NM_001407875.1); and 40 more; short protein forms A189G, A317G, A357G, A374G, A438G, A358G, A373G, A396G.
Identifiers: ClinVar variation 1773015 (VCV001773015.4), dbSNP rs2154445229, ClinGen allele CA10599132.